The following is an entry in ClinVar:

ClinVar aggregate classification (germline): Conflicting classifications of pathogenicity. Review status: criteria provided, conflicting classifications (1 of 4 stars). 4 submissions from 4 submitters: Pathogenic (2); Uncertain significance (1). 1 of the submissions does not count toward it. Last evaluated 2025-08-20.

Conditions:
Infantile epileptic dyskinetic encephalopathy. Identifiers: Orphanet 364063, MedGen C4552072, MONDO:0018226.
Developmental and epileptic encephalopathy, 35 (DEE35). Also called: Epileptic encephalopathy, early infantile, 35. Identifiers: Orphanet 457375, MedGen C4225256, MONDO:0014719, OMIM 616647.
Inosine triphosphatase deficiency. Also called: INOSINE TRIPHOSPHATE PYROPHOSPHOHYDROLASE DEFICIENCY. Identifiers: MedGen C0342800, MONDO:0013461, OMIM 613850.
ITPA-related disorder. Also called: ITPA-related condition.

Allele frequency attached by ClinVar (database versions not stated): ExAC 0.00001; gnomAD 0.00001; TOPMed 0.00001; gnomAD exomes 0.00002.

Submissions (4):

Labcorp Genetics (formerly Invitae), Labcorp
Classification: Pathogenic for Inosine triphosphatase deficiency. Last evaluated: 2025-08-20. Review status: criteria provided, single submitter. Criteria: Invitae Variant Classification Sherloc (09022015). Collection method: clinical testing. Allele origin: germline.
Comment: This sequence change is expected to alter the c-terminus of the ITPA protein (p.Asn173Lysfs*51). While this is not anticipated to result in nonsense mediated decay, it is expected to disrupt the last 22 amino acid(s) of the ITPA protein and extend the protein by 28 additional amino acid residues. This variant is present in population databases (rs748042110, gnomAD 0.002%). This frameshift has been observed in individuals with clinical features of ITPase deficiency (PMID: 34989426, 35098521). It has also been observed to segregate with disease in related individuals. ClinVar contains an entry for this variant (Variation ID: 2045104). This variant disrupts a region of the ITPA protein in which other variant(s) (p.Arg178Cys) have been observed in individuals with ITPA-related conditions (PMID: 26224535). This suggests that this is a clinically significant region of the protein, and that variants that disrupt it are likely to be disease-causing. For these reasons, this variant has been classified as Pathogenic.

Women's Health and Genetics/Laboratory Corporation of America, LabCorp
Classification: Pathogenic for Infantile epileptic dyskinetic encephalopathy. Last evaluated: 2025-06-24. Review status: criteria provided, single submitter. Criteria: LabCorp Variant Classification Summary - May 2015. Collection method: clinical testing. Allele origin: germline.
Comment: Variant summary: ITPA c.519delC (p.Asn173LysfsX51) causes a frameshift which results in an extension of the protein. The variant allele was found at a frequency of 1.6e-05 in 250798 control chromosomes. c.519delC has been observed in individual(s) affected with Early Infantile Epileptic Encephalopathy (examples: Scala_2022, and Sharma_2022). These data indicate that the variant is likely to be associated with disease. The following publications have been ascertained in the context of this evaluation (PMID: 34989426, 35098521). ClinVar contains an entry for this variant (Variation ID: 2045104). Based on the evidence outlined above, the variant was classified as pathogenic.

Blueprint Genetics
Classification: Uncertain significance. Last evaluated: 2024-11-26. Review status: criteria provided, single submitter. Criteria: ACMG Guidelines, 2015. Collection method: clinical testing. Allele origin: germline.

PreventionGenetics, part of Exact Sciences
Classification: Likely pathogenic for ITPA-related condition. Last evaluated: 2024-02-02. Review status: no assertion criteria provided. Collection method: clinical testing. Allele origin: germline. Not counted in ClinVar's aggregate classification.
Comment: The ITPA c.519delC variant is predicted to result in a frameshift and premature protein termination (p.Asn173Lysfs*51). This variant resides in the terminal exon and is predicted to result in a frameshift and elongation of the protein. This variant was reported in the homozygous state in an individual with developmental and epileptic encephalopathy (Table S1, Scala et al. 2022. PubMed ID: 34989426). This variant is reported in 0.0035% of alleles in individuals of European (Non-Finnish) descent in gnomAD. Frameshift variants in ITPA are expected to be pathogenic. This variant is interpreted as likely pathogenic.

Literature cited by the submitters: PubMed 34989426 (cited by Labcorp Genetics (formerly Invitae), Labcorp and Women's Health and Genetics/Laboratory Corporation of America, LabCorp); PubMed 35098521 (cited by Labcorp Genetics (formerly Invitae), Labcorp and Women's Health and Genetics/Laboratory Corporation of America, LabCorp); PubMed 26224535 (cited by Labcorp Genetics (formerly Invitae), Labcorp).

NM_033453.4(ITPA):c.519del (p.Asn173fs)

Gene: ITPA (inosine triphosphatase; plus strand). Cytogenetic location: 20p13.
Variant type: Deletion.
Coding change: c.519del on transcript NM_033453.4 (MANE Select); coding-DNA position 519, one base deleted (C; older notation c.519delC).
Protein change: p.Asn173fs; shifts the reading frame from asparagine 173.
Molecular consequence: frameshift variant. On other transcripts: non-coding transcript variant (2), intron variant (1).
Genome position (GRCh38, 1-based): chr20:3,223,396, C deleted. VCF-style (leftmost placement, unchanged base first): chr20-3223395-AC-A. GRCh37 (hg19) VCF-style: chr20-3204041-AC-A.
Other names: c.396del, p.Asn132fs (NM_001267623.2); c.182del, p.Thr61fs (NM_001324236.2, NM_001324237.2, NM_001324238.2 and 1 more transcripts); c.468del, p.Asn156fs (NM_181493.4); c.412-3287del (NM_001324240.2); c.519delC (NM_033453.4); short protein forms N132fs, N156fs, N173fs, T61fs.
Identifiers: ClinVar variation 2045104 (VCV002045104.8), dbSNP rs748042110, ClinGen allele CA9741358.